The following is an entry in ClinVar:

ClinVar aggregate classification (germline): Conflicting classifications of pathogenicity. Review status: criteria provided, conflicting classifications (1 of 4 stars). 11 submissions from 11 submitters: Uncertain significance (1); Likely benign (10). Last evaluated 2026-08-28.

Conditions:
PKP2-related disorder. Also called: PKP2-related condition.
Cardiovascular phenotype. Identifiers: MedGen CN230736.
Cardiomyopathy (CMYO). Also called: Cardiomyopathies. Identifiers: Orphanet 167848, MedGen C0878544, MONDO:0004994, HP:0001638. Inheritance: Various modes of inheritance.
Arrhythmogenic right ventricular cardiomyopathy (ARVD). Also called: Arrhythmogenic right ventricular dysplasia; Cardiomyopathy, ARVC; Arrhythmogenic Right Ventricular Cardiomyopathy (ARVC); Arrhythmogenic cardiomyopathy. Identifiers: Orphanet 247, MedGen C0349788, MeSH D019571, MONDO:0016587. Disease mechanism: loss of function. Inheritance: Various modes of inheritance.
Arrhythmogenic right ventricular dysplasia 9 (ARVD9). Also called: Arrhythmogenic Right Ventricular Dysplasia/Cardiomyopathy 9; ARRHYTHMOGENIC RIGHT VENTRICULAR DYSPLASIA, FAMILIAL, 9. Identifiers: MedGen C1836906, MONDO:0012180, OMIM 609040.

Allele frequency attached by ClinVar (database versions not stated): gnomAD exomes 0.00004 and 0.00013; gnomAD 0.00007 and 0.00008; ESP Exome Variant Server 0.00008; TOPMed 0.00011; ExAC 0.00004.
gnomAD v4.1: 192 of 1,614,004 alleles (0.012%); highest among the groups gnomAD compares: Non-Finnish European, 0.016%; no homozygotes.

Submissions (11):

PreventionGenetics, part of Exact Sciences
Classification: Likely benign for PKP2-related condition. Last evaluated: 2026-08-28. Review status: criteria provided, single submitter. Criteria: ACMG Guidelines, 2015. Collection method: clinical testing. Allele origin: germline.
Comment: This variant is classified as likely benign based on ACMG/AMP sequence variant interpretation guidelines (Richards et al. 2015 PMID: 25741868, with internal and published modifications).

Molecular Diagnostic Laboratory for Inherited Cardiovascular Disease, Montreal Heart Institute
Classification: Likely benign. Last evaluated: 2026-03-27. Review status: criteria provided, single submitter. Criteria: ACMG Guidelines, 2015. Collection method: clinical testing. Allele origin: germline. Affected: no.

Labcorp Genetics (formerly Invitae), Labcorp
Classification: Likely benign for Arrhythmogenic right ventricular dysplasia 9. Last evaluated: 2026-01-28. Review status: criteria provided, single submitter. Criteria: Invitae Variant Classification Sherloc (09022015). Collection method: clinical testing. Allele origin: germline.

Blueprint Genetics
Classification: Likely benign. Last evaluated: 2024-06-13. Review status: criteria provided, single submitter. Criteria: ACMG Guidelines, 2015. Collection method: clinical testing. Allele origin: germline.

All of Us Research Program, National Institutes of Health
Classification: Likely benign for Arrhythmogenic right ventricular cardiomyopathy. Last evaluated: 2023-12-14. Review status: criteria provided, single submitter. Criteria: ACMG Guidelines, 2015. Collection method: clinical testing. Allele origin: germline. Inheritance: Autosomal dominant inheritance. Observed: 25 variant alleles, 25 heterozygotes.
Comment: This study involves interpretation of variants in research participants for the purpose of population health screening. Participant phenotype was not available at the time of variant classification. Additional details can be found in publication PMID: 35346344, PMCID: PMC8962531

Ambry Genetics
Classification: Likely benign for Cardiovascular phenotype. Last evaluated: 2021-05-09. Review status: criteria provided, single submitter. Criteria: Ambry Variant Classification Scheme 2023. Collection method: clinical testing. Allele origin: germline.

Color Diagnostics, LLC DBA Color Health
Classification: Likely benign for Cardiomyopathy. Last evaluated: 2019-03-24. Review status: criteria provided, single submitter. Criteria: ACMG Guidelines, 2015. Collection method: clinical testing. Allele origin: germline.

GeneDx
Classification: Likely benign. Last evaluated: 2018-05-22. Review status: criteria provided, single submitter. Criteria: GeneDx Variant Classification Process June 2021. Collection method: clinical testing. Allele origin: germline. Affected: yes.

Illumina Laboratory Services, Illumina
Classification: Likely benign for Arrhythmogenic right ventricular dysplasia 9. Last evaluated: 2017-04-27. Review status: criteria provided, single submitter. Criteria: ICSL Variant Classification Criteria 13 December 2019. Collection method: clinical testing. Allele origin: germline.
Comment: This variant was observed as part of a predisposition screen in an ostensibly healthy population. A literature search was performed for the gene, cDNA change, and amino acid change (where applicable). Publications were found based on this search. The evidence from the literature, in combination with allele frequency data from public databases where available, was sufficient to determine this variant is unlikely to cause disease. Therefore, this variant is classified as likely benign.

Eurofins Ntd Llc (ga)
Classification: Uncertain significance. Last evaluated: 2014-09-22. Review status: criteria provided, single submitter. Criteria: EGL Classification Definitions 2015. Collection method: clinical testing. Allele origin: germline. Observed: 1 variant allele, 1 heterozygote.

Laboratory for Molecular Medicine, Mass General Brigham Personalized Medicine
Classification: Likely benign. Last evaluated: 2009-10-29. Review status: criteria provided, single submitter. Criteria: LMM Criteria. Collection method: clinical testing. Allele origin: germline. Observed: 1 variant allele.

Literature cited by the submitters: PubMed 21606396 (cited by Illumina Laboratory Services, Illumina).

NM_001005242.3(PKP2):c.918C>T (p.Pro306=)

Gene: PKP2 (plakophilin 2; minus strand). Cytogenetic location: 12p11.21.
Variant type: single nucleotide variant.
Coding change: c.918C>T on transcript NM_001005242.3 (MANE Select); coding-DNA position 918, C replaced by T.
Protein change: p.Pro306=; no amino-acid change (proline 306 retained).
Molecular consequence: synonymous variant.
Genome position (GRCh38, 1-based): chr12:32,877,962, G>A on the plus strand (C>T on the coding strand, the complement: PKP2 is on the minus strand). VCF-style: chr12-32877962-G-A. GRCh37 (hg19) VCF-style: chr12-33030896-G-A.
Other names: c.918C>T, p.Pro306= (NM_004572.4); c.918C>T (NM_001005242.2).
Identifiers: ClinVar variation 45088 (VCV000045088.33), dbSNP rs368656084, ClinGen allele CA012542.